The following is an entry in ClinVar:

ClinVar aggregate classification (germline): Benign/Likely benign. Review status: criteria provided, multiple submitters, no conflicts (2 of 4 stars). 3 submissions from 2 submitters: Benign (1); Likely benign (2). Last evaluated 2021-05-12.

Conditions:
Naxos disease (NXD). Also called: KERATOSIS PALMOPLANTARIS WITH ARRHYTHMOGENIC CARDIOMYOPATHY; MAL DE NAXOS; PALMOPLANTAR KERATODERMA WITH ARRHYTHMOGENIC RIGHT VENTRICULAR CARDIOMYOPATHY AND WOOLLY HAIR; WOOLLY HAIR, PALMOPLANTAR KERATODERMA, AND CARDIAC ABNORMALITIES; CARDIOMYOPATHY, ARRHYTHMOGENIC RIGHT VENTRICULAR, WITH SKIN, HAIR, AND NAIL ABNORMALITIES. Identifiers: Orphanet 34217, MedGen C1832600, MONDO:0011017, OMIM 601214.
Arrhythmogenic right ventricular dysplasia 12. Also called: ARRHYTHMOGENIC RIGHT VENTRICULAR DYSPLASIA, FAMILIAL, 12. Identifiers: MedGen C1969081, MONDO:0012684, OMIM 611528.

Allele frequency attached by ClinVar (database versions not stated): gnomAD exomes 0.00199; gnomAD 0.01524 and 0.01622; TOPMed 0.01716; 1000 Genomes Project 0.02017; 1000 Genomes Project 30x 0.02202.
gnomAD v4.1: 2,834 of 388,904 alleles (0.73%); highest among the groups gnomAD compares: African/African-American, 4.9%; 68 homozygotes.

Submissions (3):

GeneDx
Classification: Likely benign. Last evaluated: 2021-05-12. Review status: criteria provided, single submitter. Criteria: GeneDx Variant Classification Process June 2021. Collection method: clinical testing. Allele origin: germline. Affected: yes.

Illumina Laboratory Services, Illumina
Classification: Likely benign for Naxos disease. Last evaluated: 2018-01-13. Review status: criteria provided, single submitter. Criteria: ICSL Variant Classification Criteria 13 December 2019. Collection method: clinical testing. Allele origin: germline.
Comment: This variant was observed in the ICSL laboratory as part of a predisposition screen in an ostensibly healthy population. It had not been previously curated by ICSL or reported in the Human Gene Mutation Database (HGMD: prior to June 1st, 2018), and was therefore a candidate for classification through an automated scoring system. Utilizing variant allele frequency, disease prevalence and penetrance estimates, and inheritance mode, an automated score was calculated to assess if this variant is too frequent to cause the disease. Based on the score and internal cut-off values, a variant classified as likely benign is not then subjected to further curation. The score for this variant resulted in a classification of likely benign for this disease.

Illumina Laboratory Services, Illumina
Classification: Benign for Arrhythmogenic right ventricular dysplasia 12. Last evaluated: 2018-01-13. Review status: criteria provided, single submitter. Criteria: ICSL Variant Classification Criteria 13 December 2019. Collection method: clinical testing. Allele origin: germline.
Comment: This variant was observed in the ICSL laboratory as part of a predisposition screen in an ostensibly healthy population. It had not been previously curated by ICSL or reported in the Human Gene Mutation Database (HGMD: prior to June 1st, 2018), and was therefore a candidate for classification through an automated scoring system. Utilizing variant allele frequency, disease prevalence and penetrance estimates, and inheritance mode, an automated score was calculated to assess if this variant is too frequent to cause the disease. Based on the score and internal cut-off values, a variant classified as benign is not then subjected to further curation. The score for this variant resulted in a classification of benign for this disease.

NM_002230.4(JUP):c.*669C>T

Gene: JUP (junction plakoglobin; minus strand). Cytogenetic location: 17q21.2.
Variant type: single nucleotide variant.
Coding change: c.*669C>T on transcript NM_002230.4 (MANE Select); 669 bases downstream of the stop codon, C replaced by T.
Molecular consequence: 3 prime UTR variant.
Genome position (GRCh38, 1-based): chr17:41,755,075, G>A on the plus strand (C>T on the coding strand, the complement: JUP is on the minus strand). VCF-style: chr17-41755075-G-A. GRCh37 (hg19) VCF-style: chr17-39911327-G-A.
Other names: c.*669C>T (NM_001352773.2); c.*372C>T (NM_001352774.2, NM_001352775.2, NM_001352776.2 and 2 more transcripts).
Identifiers: ClinVar variation 323151 (VCV000323151.6), dbSNP rs8074883, ClinGen allele CA10649205.